The following is an entry in ClinVar:

NM_001372051.1(CASP8):c.306-1G>A

Gene: CASP8 (caspase 8; plus strand). Cytogenetic location: 2q33.1.
Variant type: single nucleotide variant.
Coding change: c.306-1G>A on transcript NM_001372051.1 (MANE Select); the canonical splice acceptor site of the intron before coding-DNA position 306, G replaced by A.
Molecular consequence: splice acceptor variant.
Genome position (GRCh38, 1-based): chr2:201,271,515, G>A. VCF-style: chr2-201271515-G-A. GRCh37 (hg19) VCF-style: chr2-202136238-G-A.
Other names: c.402-1G>A (NM_001228.5); c.306-1G>A (NM_001400651.1, NM_001400663.1, NM_001400657.1 and 20 more transcripts); c.-227-1G>A (NM_001400677.1, NM_001400750.1, NM_001400751.1 and 6 more transcripts); c.-4-1G>A (NM_001400669.1); c.-306-1G>A (NM_001400680.1); c.483-1G>A (NM_001080125.2, NM_001400642.1, NM_001400665.1); c.-408-1G>A (NM_001400674.1).
Identifiers: ClinVar variation 3652746 (VCV003652746.2).
Genomic context (GRCh38, chr2:201,271,515, plus strand): 5'-TATATCAAATGGGAAATTATTTGGGAAAAGATTTCTAAAGTGTCTCCATTTCCCACCACA[G>A]GGTCATGCTCTATCAGATTTCAGAAGAAGTGAGCAGATCAGAATTGAGGTCTTTTAAGTT-3'

ClinVar aggregate classification (germline): Likely pathogenic (1 of 4 stars; one submission).

Conditions:
Autoimmune lymphoproliferative syndrome type 2B. Also called: AUTOIMMUNE LYMPHOPROLIFERATIVE SYNDROME, TYPE IIB. Identifiers: Orphanet 275517, MedGen C1846545, MONDO:0011804, OMIM 607271.

Submission:

Labcorp Genetics (formerly Invitae), Labcorp
Classification: Likely pathogenic for Autoimmune lymphoproliferative syndrome type 2B. Last evaluated: 2024-11-13. Review status: criteria provided, single submitter. Criteria: Invitae Variant Classification Sherloc (09022015). Collection method: clinical testing. Allele origin: germline.
Comment: This sequence change affects an acceptor splice site in intron 4 of the CASP8 gene. It is expected to disrupt RNA splicing. Variants that disrupt the donor or acceptor splice site typically lead to a loss of protein function (PMID: 16199547), and loss-of-function variants in CASP8 are known to be pathogenic (PMID: 12353035, 25814141). This variant is not present in population databases (gnomAD no frequency). This variant has not been reported in the literature in individuals affected with CASP8-related conditions. Algorithms developed to predict the effect of sequence changes on RNA splicing suggest that this variant may disrupt the consensus splice site. In summary, the currently available evidence indicates that the variant is pathogenic, but additional data are needed to prove that conclusively. Therefore, this variant has been classified as Likely Pathogenic.

Literature cited by the submitters: PubMed 16199547; PubMed 12353035; PubMed 25814141.